The following is an entry in ClinVar:

ClinVar aggregate classification (germline): Uncertain significance. Review status: criteria provided, multiple submitters, no conflicts (2 of 4 stars). 5 submissions from 5 submitters: Uncertain significance (4). 1 of the submissions does not count toward it. Last evaluated 2024-01-09.

Conditions:
Developmental and epileptic encephalopathy, 12 (DEE12). Identifiers: MedGen C3150988, MONDO:0013389, OMIM 613722.
Inborn genetic diseases. Identifiers: MedGen C0950123, MeSH D030342.

Allele frequency attached by ClinVar (database versions not stated): ExAC below 0.00001; gnomAD exomes 0.00001; TOPMed 0.00002; gnomAD 0.00003.
gnomAD v4.1: 36 of 1,547,338 alleles (0.0023%); highest among the groups gnomAD compares: Admixed American, 0.0059%; no homozygotes.

Submissions (5):

Mayo Clinic Laboratories, Mayo Clinic
Classification: Uncertain significance. Last evaluated: 2024-01-09. Review status: criteria provided, single submitter. Criteria: ACMG Guidelines, 2015. Collection method: clinical testing. Allele origin: germline. Observed: 1 variant allele.
Comment: PM2_moderate

Ambry Genetics
Classification: Uncertain significance for Inborn genetic diseases. Last evaluated: 2023-12-13. Review status: criteria provided, single submitter. Criteria: Ambry Variant Classification Scheme 2023. Collection method: clinical testing. Allele origin: germline.

Labcorp Genetics (formerly Invitae), Labcorp
Classification: Uncertain significance for Developmental and epileptic encephalopathy, 12. Last evaluated: 2022-08-31. Review status: criteria provided, single submitter. Criteria: Invitae Variant Classification Sherloc (09022015). Collection method: clinical testing. Allele origin: germline.
Comment: This sequence change replaces glutamine, which is neutral and polar, with histidine, which is basic and polar, at codon 436 of the PNKP protein (p.Gln436His). This variant is present in population databases (rs780067167, gnomAD 0.008%). This variant has not been reported in the literature in individuals affected with PNKP-related conditions. ClinVar contains an entry for this variant (Variation ID: 206411). Algorithms developed to predict the effect of missense changes on protein structure and function (SIFT, PolyPhen-2, Align-GVGD) all suggest that this variant is likely to be tolerated. Algorithms developed to predict the effect of sequence changes on RNA splicing suggest that this variant may disrupt the consensus splice site. In summary, the available evidence is currently insufficient to determine the role of this variant in disease. Therefore, it has been classified as a Variant of Uncertain Significance.

GeneDx
Classification: Uncertain significance. Last evaluated: 2014-09-08. Review status: criteria provided, single submitter. Criteria: GeneDx Variant Classification (06012015). Collection method: clinical testing. Allele origin: germline. Affected: yes.
Comment: p.Gln436His (CAG>CAC): c.1308 G>C in exon 15 of the PNKP gene (NM_007254.2) A variant of unknown significance has been identified in the PNKP gene. The Q436H variant has not been published as a mutation, nor has it been reported as a benign polymorphism to our knowledge. It was not observed in approximately 6,000 individuals of European and African American ancestry in the NHLBI Exome Sequencing Project, indicating it is not a common benign variant in these populations. The Q436H variant is a semi-conservative amino acid substitution, which may impact secondary protein structure as these residues differ in some properties. However, this substitution occurs at a position that is not conserved across species, and missense mutations in nearby residues have not been reported in association with PNKP-related disorders. In silico analysis is inconsistent in its predictions as to whether or not the variant is damaging to the protein structure/function. Therefore, based on the currently available information, it is unclear whether this variant is a pathogenic mutation or a rare benign variant.The variant is found in CHILD-EPI panel(s).

New York Genome Center
Classification: Uncertain significance. Last evaluated: 2019-11-12. Review status: no assertion criteria provided. Collection method: clinical testing. Allele origin: germline. Affected: yes. Observed: 1 heterozygote. Not counted in ClinVar's aggregate classification.

NM_007254.4(PNKP):c.1308G>C (p.Gln436His)

Gene: PNKP (polynucleotide kinase 3'-phosphatase; minus strand). Cytogenetic location: 19q13.33.
Variant type: single nucleotide variant.
Coding change: c.1308G>C on transcript NM_007254.4 (MANE Select); coding-DNA position 1308, G replaced by C.
Protein change: p.Gln436His; replaces glutamine 436 with histidine.
Molecular consequence: missense variant.
Genome position (GRCh38, 1-based): chr19:49,861,686, C>G on the plus strand (G>C on the coding strand, the complement: PNKP is on the minus strand). VCF-style: chr19-49861686-C-G. GRCh37 (hg19) VCF-style: chr19-50364943-C-G.
Other names: p.Q436H:CAG>CAC; p.Gln436His; short protein forms Q436H.
Identifiers: ClinVar variation 206411 (VCV000206411.11), dbSNP rs780067167, ClinGen allele CA316499.